The following is an entry in ClinVar:

NM_001379500.1(COL18A1):c.107-12560_107-12551del

Gene: COL18A1 (collagen type XVIII alpha 1 chain; plus strand). Cytogenetic location: 21q22.3.
Variant type: Deletion.
Coding change: c.107-12560_107-12551del on transcript NM_001379500.1 (MANE Select); 12560 bases into the intron before coding-DNA position 107 through 12551 bases into the intron before coding-DNA position 107, 10 bases deleted (CCCTGCCTGT; older notation c.107-12560_107-12551delCCCTGCCTGT).
Molecular consequence: intron variant. On other transcripts: frameshift variant (2).
Genome position (GRCh38, 1-based): chr21:45,455,682-45,455,691, CCCTGCCTGT deleted. VCF-style (leftmost placement, unchanged base first): chr21-45455681-CCCCTGCCTGT-C. GRCh37 (hg19) VCF-style: chr21-46875595-CCCCTGCCTGT-C.
Other names: c.152_161del, p.Pro51fs (NM_030582.4, NM_130444.3); short protein forms P51fs.
Identifiers: ClinVar variation 1385483 (VCV001385483.6), dbSNP rs762647237, ClinGen allele CA10065399.
Genomic context (GRCh38, chr21:45,455,681, plus strand): 5'-CTTTGGTTCAATAATGAGGACACCAGCCATGCAGCTACCACGATCCCTGAGCCCCAGGGG[CCCCTGCCTGT>C]GCAGCCCACAGCAGATACCACCACACACGTGACCCCCCGGAATGGTTCCACAGAGCCAGC-3'

ClinVar aggregate classification (germline): Uncertain significance (1 of 4 stars; one submission).

Allele frequency attached by ClinVar (database versions not stated): gnomAD exomes below 0.00001; TOPMed below 0.00001; ExAC 0.00001.

Submission:

Labcorp Genetics (formerly Invitae), Labcorp
Classification: Uncertain significance. Last evaluated: 2021-10-31. Review status: criteria provided, single submitter. Criteria: Invitae Variant Classification Sherloc (09022015). Collection method: clinical testing. Allele origin: germline.
Comment: This variant is present in population databases (rs762647237, gnomAD 0.0009%). This variant has not been reported in the literature in individuals affected with COL18A1-related conditions. In summary, the available evidence is currently insufficient to determine the role of this variant in disease. Therefore, it has been classified as a Variant of Uncertain Significance. This sequence change creates a premature translational stop signal (p.Pro51Argfs*11) in the COL18A1 gene. However, it is currently unclear if variants that occur in this region of the gene cause disease. The COL18A1 gene has multiple clinically relevant transcripts. This variant occurs in alternate transcript NM_030582.4, and corresponds to NM_130445.2:c.107-12560_107-12551del in the primary transcript.